The following is an entry in ClinVar:

ClinVar aggregate classification (germline): Benign/Likely benign. Review status: criteria provided, multiple submitters, no conflicts (2 of 4 stars). 3 submissions from 3 submitters: Benign (1); Likely benign (1). 1 of the submissions does not count toward it. Last evaluated 2026-01-19.

Conditions:
KIDINS220-related disorder. Also called: KIDINS220-related condition.

Allele frequency attached by ClinVar (database versions not stated): gnomAD exomes 0.00014 and 0.00033; ExAC 0.00044; 1000 Genomes Project 0.00120; 1000 Genomes Project 30x 0.00125; ESP Exome Variant Server 0.00135; gnomAD 0.00139 and 0.00150; TOPMed 0.00169.
gnomAD v4.1: 420 of 1,611,274 alleles (0.026%); highest among the groups gnomAD compares: African/African-American, 0.51%; 2 homozygotes.

Submissions (3):

Labcorp Genetics (formerly Invitae), Labcorp
Classification: Benign. Last evaluated: 2026-01-19. Review status: criteria provided, single submitter. Criteria: Invitae Variant Classification Sherloc (09022015). Collection method: clinical testing. Allele origin: germline.

Blueprint Genetics
Classification: Likely benign. Last evaluated: 2024-08-06. Review status: criteria provided, single submitter. Criteria: ACMG Guidelines, 2015. Collection method: clinical testing. Allele origin: germline.

PreventionGenetics, part of Exact Sciences
Classification: Likely benign for KIDINS220-related condition. Last evaluated: 2021-06-18. Review status: no assertion criteria provided. Collection method: clinical testing. Allele origin: germline. Not counted in ClinVar's aggregate classification.
Comment: This variant is classified as likely benign based on ACMG/AMP sequence variant interpretation guidelines (Richards et al. 2015 PMID: 25741868, with internal and published modifications).

NM_020738.4(KIDINS220):c.2371-7G>A

Gene: KIDINS220 (kinase D interacting substrate 220; minus strand). Cytogenetic location: 2p25.1.
Variant type: single nucleotide variant.
Coding change: c.2371-7G>A on transcript NM_020738.4 (MANE Select); 7 bases into the intron before coding-DNA position 2371, G replaced by A.
Genome position (GRCh38, 1-based): chr2:8,779,146, C>T on the plus strand (G>A on the coding strand, the complement: KIDINS220 is on the minus strand). VCF-style: chr2-8779146-C-T. GRCh37 (hg19) VCF-style: chr2-8919276-C-T.
Other names: c.2371-7G>A (NM_001348741.2, NM_001348738.2, NM_001348742.2 and 3 more transcripts); c.2374-7G>A (NM_001348739.2, NM_001348740.2, NM_001348734.2 and 3 more transcripts); c.2245-7G>A (NM_001348736.2).
Identifiers: ClinVar variation 732921 (VCV000732921.11), dbSNP rs114946239, ClinGen allele CA1519981.